The following is an entry in ClinVar:

ClinVar aggregate classification (germline): Conflicting classifications of pathogenicity. Review status: criteria provided, conflicting classifications (1 of 4 stars). 2 submissions from 2 submitters: Pathogenic (1); Uncertain significance (1). Last evaluated 2024-04-11.

Conditions:
Retinoblastoma (RB1). Also called: RETINOBLASTOMA, SOMATIC. Identifiers: Orphanet 790, MedGen C0035335, MeSH D012175, MONDO:0008380, OMIM 180200, HP:0009919. Disease mechanism: loss of function. Inheritance: Both sporadic and heritable forms are tested..

Submissions (2):

GeneDx
Classification: Uncertain significance. Last evaluated: 2024-04-11. Review status: criteria provided, single submitter. Criteria: GeneDx Variant Classification Process June 2021. Collection method: clinical testing. Allele origin: germline. Affected: yes.
Comment: Not observed at significant frequency in large population cohorts (gnomAD); In silico analysis supports a deleterious effect on splicing; Has not been previously published as pathogenic or benign to our knowledge

Labcorp Genetics (formerly Invitae), Labcorp
Classification: Pathogenic for Retinoblastoma. Last evaluated: 2024-01-29. Review status: criteria provided, single submitter. Criteria: Invitae Variant Classification Sherloc (09022015). Collection method: clinical testing. Allele origin: germline.
Comment: This sequence change falls in intron 16 of the RB1 gene. It does not directly change the encoded amino acid sequence of the RB1 protein. It affects a nucleotide within the consensus splice site. This variant is not present in population databases (gnomAD no frequency). This variant has been observed in individual(s) with retinoblastoma (Invitae). In at least one individual the variant was observed to be de novo. Variants that disrupt the consensus splice site are a relatively common cause of aberrant splicing (PMID: 17576681, 9536098). Algorithms developed to predict the effect of sequence changes on RNA splicing suggest that this variant may disrupt the consensus splice site. For these reasons, this variant has been classified as Pathogenic.

Literature cited by the submitters: PubMed 17576681 (cited by Labcorp Genetics (formerly Invitae), Labcorp); PubMed 9536098 (cited by Labcorp Genetics (formerly Invitae), Labcorp).

NM_000321.3(RB1):c.1498+4A>G

Gene: RB1 (RB transcriptional corepressor 1; plus strand). Cytogenetic location: 13q14.2.
Variant type: single nucleotide variant.
Coding change: c.1498+4A>G on transcript NM_000321.3 (MANE Select); 4 bases into the intron after coding-DNA position 1498, A replaced by G.
Molecular consequence: intron variant.
Genome position (GRCh38, 1-based): chr13:48,380,245, A>G. VCF-style: chr13-48380245-A-G. GRCh37 (hg19) VCF-style: chr13-48954381-A-G.
Other names: c.1498+4A>G (NM_001407165.1, NM_001407166.1).
Identifiers: ClinVar variation 2701400 (VCV002701400.4), dbSNP rs2138143230, ClinGen allele CA2697551852.